The following is an entry in ClinVar:

ClinVar aggregate classification (germline): Uncertain significance (1 of 4 stars; one submission).

gnomAD v4.1: 2 of 1,586,664 alleles (0.00013%); highest among the groups gnomAD compares: Admixed American, 0.0017%; no homozygotes.

Submission:

Women's Health and Genetics/Laboratory Corporation of America, LabCorp
Classification: Uncertain significance. Last evaluated: 2025-04-18. Review status: criteria provided, single submitter. Criteria: LabCorp Variant Classification Summary - May 2015. Collection method: clinical testing. Allele origin: germline.
Comment: Variant summary: RASA2 c.1674+1G>A is located in a canonical splice-site and is predicted to affect mRNA splicing resulting in a significantly altered protein due to either exon skipping, shortening, or inclusion of intronic material. Variants that disrupt the consensus splice site are a relatively common cause of aberrant splicing, however current evidence is not sufficient to establish loss of function as a mechanism for disease. Several computational tools predict a significant impact on normal splicing: Four predict the variant abolishes a 5' splicing donor site. However, these predictions have yet to be confirmed by functional studies. The variant allele was found at a frequency of 4e-06 in 247132 control chromosomes. The available data on variant occurrences in the general population are insufficient to allow any conclusion about variant significance. To our knowledge, no occurrence of c.1674+1G>A in individuals affected with Noonan Syndrome and no experimental evidence demonstrating its impact on protein function have been reported. No submitters have cited clinical-significance assessments for this variant to ClinVar. Based on the evidence outlined above, the variant was classified as uncertain significance.

NM_006506.5(RASA2):c.1674+1G>A

Gene: RASA2 (RAS p21 protein activator 2; plus strand). Cytogenetic location: 3q23.
Variant type: single nucleotide variant.
Coding change: c.1674+1G>A on transcript NM_006506.5 (MANE Select); the canonical splice donor site of the intron after coding-DNA position 1674, G replaced by A.
Molecular consequence: splice donor variant.
Genome position (GRCh38, 1-based): chr3:141,580,452, G>A. VCF-style: chr3-141580452-G-A. GRCh37 (hg19) VCF-style: chr3-141299294-G-A.
Other names: c.1674+1G>A (NM_001303245.3, NM_001303246.3).
Identifiers: ClinVar variation 3896188 (VCV003896188.2).
Genomic context (GRCh38, chr3:141,580,452, plus strand): 5'-ACTCTCATCTCAAAAACTATACAAACTTTGGGAAGCTGGGGGAGTCTGTCCAAAAGCAAG[G>A]TAAGTCCTTACATCTTTTATTTTGTTTTTACACTTCTAAATGTTGTTACATCCTATGATC-3'